The following is an entry in ClinVar:

NM_000460.4(THPO):c.963C>T (p.His321=)

Gene: THPO (thrombopoietin; minus strand). Cytogenetic location: 3q27.1.
Variant type: single nucleotide variant.
Coding change: c.963C>T on transcript NM_000460.4 (MANE Select); coding-DNA position 963, C replaced by T.
Protein change: p.His321=; no amino-acid change (histidine 321 retained).
Molecular consequence: synonymous variant. On other transcripts: missense variant (4).
Genome position (GRCh38, 1-based): chr3:184,372,612, G>A on the plus strand (C>T on the coding strand, the complement: THPO is on the minus strand). VCF-style: chr3-184372612-G-A. GRCh37 (hg19) VCF-style: chr3-184090400-G-A.
Other names: c.951C>T, p.His317= (NM_001177597.2, NM_001290022.1); c.946C>T, p.Pro316Ser (NM_001177598.2, NM_001290026.1); c.847C>T, p.Pro283Ser (NM_001289997.1, NM_001290027.1); c.963C>T, p.His321= (NM_001289998.1, NM_001290028.1); c.1383C>T, p.His461= (NM_001290003.1); short protein forms P316S, P283S.
Identifiers: ClinVar variation 902535 (VCV000902535.9), dbSNP rs377138170, ClinGen allele CA2734826.

ClinVar aggregate classification (germline): Conflicting classifications of pathogenicity. Review status: criteria provided, conflicting classifications (1 of 4 stars). 4 submissions from 4 submitters: Uncertain significance (1); Likely benign (2). 1 of the submissions does not count toward it. Last evaluated 2025-11-14.

Conditions:
Thrombocythemia 1 (THCYT1). Also called: THROMBOCYTHEMIA, SOMATIC; THROMBOCYTOSIS 1. Identifiers: MedGen C3277671, MONDO:0008554, OMIM 187950.
THPO-related disorder. Also called: THPO-related condition.
Inborn genetic diseases. Identifiers: MedGen C0950123, MeSH D030342.

Allele frequency attached by ClinVar (database versions not stated): ExAC 0.00002; gnomAD exomes 0.00002 and 0.00004; gnomAD 0.00004; ESP Exome Variant Server 0.00008; 1000 Genomes Project 0.00020; 1000 Genomes Project 30x 0.00031.
gnomAD v4.1: 65 of 1,613,932 alleles (0.004%); highest among the groups gnomAD compares: Non-Finnish European, 0.0049%; no homozygotes.

Submissions (4):

Labcorp Genetics (formerly Invitae), Labcorp
Classification: Likely benign. Last evaluated: 2025-11-14. Review status: criteria provided, single submitter. Criteria: Invitae Variant Classification Sherloc (09022015). Collection method: clinical testing. Allele origin: germline.

Ambry Genetics
Classification: Likely benign for Inborn genetic diseases. Last evaluated: 2024-12-31. Review status: criteria provided, single submitter. Criteria: Ambry Variant Classification Scheme 2023. Collection method: clinical testing. Allele origin: germline.

Illumina Laboratory Services, Illumina
Classification: Uncertain significance for Thrombocythemia 1. Last evaluated: 2018-01-13. Review status: criteria provided, single submitter. Criteria: ICSL Variant Classification Criteria 13 December 2019. Collection method: clinical testing. Allele origin: germline.

PreventionGenetics, part of Exact Sciences
Classification: Likely benign for THPO-related condition. Last evaluated: 2019-06-21. Review status: no assertion criteria provided. Collection method: clinical testing. Allele origin: germline. Not counted in ClinVar's aggregate classification.
Comment: This variant is classified as likely benign based on ACMG/AMP sequence variant interpretation guidelines (Richards et al. 2015 PMID: 25741868, with internal and published modifications).